The following is an entry in ClinVar:

NM_174878.3(CLRN1):c.88A>T (p.Thr30Ser)

Gene: CLRN1 (clarin 1; minus strand). Cytogenetic location: 3q25.1.
Variant type: single nucleotide variant.
Coding change: c.88A>T on transcript NM_174878.3 (MANE Select); coding-DNA position 88, A replaced by T.
Protein change: p.Thr30Ser; replaces threonine 30 with serine.
Molecular consequence: missense variant. On other transcripts: non-coding transcript variant (1).
Genome position (GRCh38, 1-based): chr3:150,972,621, T>A on the plus strand (A>T on the coding strand, the complement: CLRN1 is on the minus strand). VCF-style: chr3-150972621-T-A. GRCh37 (hg19) VCF-style: chr3-150690408-T-A.
Other names: c.88A>T (NM_174878.2); c.88A>T, p.Thr30Ser (NM_001195794.1, NM_001256819.2); short protein forms T30S.
Identifiers: ClinVar variation 2048405 (VCV002048405.4), dbSNP rs1319315161, ClinGen allele CA355012079.
Genomic context (GRCh38, chr3:150,972,621, plus strand): 5'-AGGCATTGACGAGCAGAGCTCCCGTTTTGCAGAGGACAGTGGCTTTGATCCACAACGGTG[T>A]CCCCAAGGCTGTCACAACTCCGAGGGCACATGCAAAACTGAACACTCCGGCCATGCAAAA-3'
Protein context (NP_777367.1, residues 20-40): CALGVVTALG[Thr30Ser]PLWIKATVLC

ClinVar aggregate classification (germline): Uncertain significance. Review status: criteria provided, multiple submitters, no conflicts (2 of 4 stars). 2 submissions from 2 submitters: Uncertain significance (2). Last evaluated 2025-02-10.

Conditions:
Inborn genetic diseases. Identifiers: MedGen C0950123, MeSH D030342.

Allele frequency attached by ClinVar (database versions not stated): TOPMed 0.00001.
gnomAD v4.1: 2 of 1,614,124 alleles (0.00012%); highest among the groups gnomAD compares: Admixed American, 0.0017%; no homozygotes.

Submissions (2):

Ambry Genetics
Classification: Uncertain significance for Inborn genetic diseases. Last evaluated: 2025-02-10. Review status: criteria provided, single submitter. Criteria: Ambry Variant Classification Scheme 2023. Collection method: clinical testing. Allele origin: germline.

Labcorp Genetics (formerly Invitae), Labcorp
Classification: Uncertain significance. Last evaluated: 2024-10-22. Review status: criteria provided, single submitter. Criteria: Invitae Variant Classification Sherloc (09022015). Collection method: clinical testing. Allele origin: germline.
Comment: This sequence change replaces threonine, which is neutral and polar, with serine, which is neutral and polar, at codon 30 of the CLRN1 protein (p.Thr30Ser). This variant is present in population databases (no rsID available, gnomAD 0.003%). This variant has not been reported in the literature in individuals affected with CLRN1-related conditions. ClinVar contains an entry for this variant (Variation ID: 2048405). An algorithm developed to predict the effect of missense changes on protein structure and function (PolyPhen-2) suggests that this variant is likely to be tolerated. In summary, the available evidence is currently insufficient to determine the role of this variant in disease. Therefore, it has been classified as a Variant of Uncertain Significance.